The following is an entry in ClinVar:

ClinVar aggregate classification (germline): Uncertain significance (1 of 4 stars; one submission).

Submission:

GeneDx
Classification: Uncertain significance. Last evaluated: 2024-12-30. Review status: criteria provided, single submitter. Criteria: GeneDx Variant Classification Process June 2021. Collection method: clinical testing. Allele origin: germline. Affected: yes.
Comment: Not observed at significant frequency in large population cohorts (gnomAD); In silico analysis supports that this missense variant has a deleterious effect on protein structure/function; Has not been previously published as pathogenic or benign to our knowledge

NM_134261.3(RORA):c.617G>A (p.Gly206Glu)

Genes: RORA (RAR related orphan receptor A; minus strand), RORA-AS1 (RORA antisense RNA 1; plus strand). Cytogenetic location: 15q22.2.
Variant type: single nucleotide variant.
Coding change: c.617G>A on transcript NM_134261.3 (MANE Select); coding-DNA position 617, G replaced by A.
Protein change: p.Gly206Glu; replaces glycine 206 with glutamic acid.
Molecular consequence: missense variant.
Genome position (GRCh38, 1-based): chr15:60,511,429, C>T on the plus strand (G>A on the coding strand, the complement: RORA is on the minus strand). VCF-style: chr15-60511429-C-T. GRCh37 (hg19) VCF-style: chr15-60803628-C-T.
Other names: c.692G>A, p.Gly231Glu (NM_002943.4); c.716G>A, p.Gly239Glu (NM_134260.3); c.452G>A, p.Gly151Glu (NM_134262.3); short protein forms G151E, G206E, G231E, G239E.
Identifiers: ClinVar variation 3908047 (VCV003908047.1).